The following is an entry in ClinVar:

NM_001077350.3(NPRL3):c.377T>G (p.Val126Gly)

Genes: HBA-LCR (alpha-globin locus control region; plus strand), NPRL3 (NPR3 like, GATOR1 complex subunit; minus strand). Cytogenetic location: 16p13.3.
Variant type: single nucleotide variant.
Coding change: c.377T>G on transcript NM_001077350.3 (MANE Select); coding-DNA position 377, T replaced by G.
Protein change: p.Val126Gly; replaces valine 126 with glycine.
Molecular consequence: missense variant. On other transcripts: intron variant (3).
Genome position (GRCh38, 1-based): chr16:117,317, A>C on the plus strand (T>G on the coding strand, the complement: NPRL3 is on the minus strand). VCF-style: chr16-117317-A-C. GRCh37 (hg19) VCF-style: chr16-167316-A-C.
Other names: c.143T>G, p.Val48Gly (NM_001243247.2); c.318+1809T>G (NM_001243248.2, NM_001243249.2); c.-144-4542T>G (NM_001039476.3); short protein forms V48G, V126G.
Identifiers: ClinVar variation 1511532 (VCV001511532.6), dbSNP rs1024335545, ClinGen allele CA393994751.

ClinVar aggregate classification (germline): Uncertain significance (1 of 4 stars; one submission).

Conditions:
Epilepsy, familial focal, with variable foci 3 (FFEVF3). Identifiers: MedGen C4310708, MONDO:0014925, OMIM 617118.

Submission:

Labcorp Genetics (formerly Invitae), Labcorp
Classification: Uncertain significance for Epilepsy, familial focal, with variable foci 3. Last evaluated: 2025-03-03. Review status: criteria provided, single submitter. Criteria: Invitae Variant Classification Sherloc (09022015). Collection method: clinical testing. Allele origin: germline.
Comment: This sequence change replaces valine with glycine at codon 126 of the NPRL3 protein (p.Val126Gly). The valine residue is moderately conserved and there is a moderate physicochemical difference between valine and glycine. This variant is not present in population databases (gnomAD no frequency). This variant has not been reported in the literature in individuals affected with NPRL3-related conditions. ClinVar contains an entry for this variant (Variation ID: 1511532). Experimental studies and prediction algorithms are not available or were not evaluated, and the functional significance of this variant is currently unknown. In summary, the available evidence is currently insufficient to determine the role of this variant in disease. Therefore, it has been classified as a Variant of Uncertain Significance.